The following is an entry in ClinVar:

NM_032578.4(MYPN):c.3206G>A (p.Arg1069His)

Gene: MYPN (myopalladin; plus strand). Cytogenetic location: 10q21.3.
Variant type: single nucleotide variant.
Coding change: c.3206G>A on transcript NM_032578.4 (MANE Select); coding-DNA position 3206, G replaced by A.
Protein change: p.Arg1069His; replaces arginine 1069 with histidine.
Molecular consequence: missense variant. On other transcripts: non-coding transcript variant (2).
Genome position (GRCh38, 1-based): chr10:68,197,399, G>A. VCF-style: chr10-68197399-G-A. GRCh37 (hg19) VCF-style: chr10-69957156-G-A.
Other names: p.R1069H:CGC>CAC; c.3206G>A, p.Arg1069His (NM_001256267.2); c.2324G>A, p.Arg775His (NM_001256268.2); c.3206G>A (NM_032578.2); short protein forms R1069H, R775H.
Identifiers: ClinVar variation 201890 (VCV000201890.10), dbSNP rs763362861, ClinGen allele CA335319.

ClinVar aggregate classification (germline): Uncertain significance. Review status: criteria provided, multiple submitters, no conflicts (2 of 4 stars). 4 submissions from 4 submitters: Uncertain significance (4). Last evaluated 2024-09-30.

Conditions:
MYPN-related myopathy (CMYO24). Also called: Nemaline myopathy 11, autosomal recessive. Identifiers: MedGen C4479186, MONDO:0015023, OMIM 617336.
Dilated cardiomyopathy 1KK (CMD1KK). Identifiers: Orphanet 154, Orphanet 75249, MedGen C3714995, MONDO:0014100, OMIM 615248.
Cardiovascular phenotype. Identifiers: MedGen CN230736.

Allele frequency attached by ClinVar (database versions not stated): gnomAD exomes 0.00005 and 0.00003; gnomAD 0.00001 and 0.00002; ExAC 0.00002; TOPMed 0.00002.

Submissions (4):

Ambry Genetics
Classification: Uncertain significance for Cardiovascular phenotype. Last evaluated: 2024-09-30. Review status: criteria provided, single submitter. Criteria: Ambry Variant Classification Scheme 2023. Collection method: clinical testing. Allele origin: germline.
Comment: The p.R1069H variant (also known as c.3206G>A), located in coding exon 15 of the MYPN gene, results from a G to A substitution at nucleotide position 3206. The arginine at codon 1069 is replaced by histidine, an amino acid with highly similar properties. This amino acid position is conserved. In addition, the in silico prediction for this alteration is inconclusive. Based on the available evidence, the clinical significance of this variant remains unclear.

Labcorp Genetics (formerly Invitae), Labcorp
Classification: Uncertain significance for Dilated cardiomyopathy 1KK. Last evaluated: 2022-06-15. Review status: criteria provided, single submitter. Criteria: Invitae Variant Classification Sherloc (09022015). Collection method: clinical testing. Allele origin: germline.
Comment: This sequence change replaces arginine, which is basic and polar, with histidine, which is basic and polar, at codon 1069 of the MYPN protein (p.Arg1069His). This variant is present in population databases (rs763362861, gnomAD 0.01%). This variant has not been reported in the literature in individuals affected with MYPN-related conditions. ClinVar contains an entry for this variant (Variation ID: 201890). Algorithms developed to predict the effect of missense changes on protein structure and function are either unavailable or do not agree on the potential impact of this missense change (SIFT: "Deleterious"; PolyPhen-2: "Possibly Damaging"; Align-GVGD: "Class C0"). In summary, the available evidence is currently insufficient to determine the role of this variant in disease. Therefore, it has been classified as a Variant of Uncertain Significance.

Fulgent Genetics
Classification: Uncertain significance for Dilated cardiomyopathy 1KK; MYPN-related myopathy. Last evaluated: 2021-08-31. Review status: criteria provided, single submitter. Criteria: ACMG Guidelines, 2015. Collection method: clinical testing. Allele origin: unknown.

GeneDx
Classification: Uncertain significance. Last evaluated: 2014-04-21. Review status: criteria provided, single submitter. Criteria: GeneDx Variant Classification (06012015). Collection method: clinical testing. Allele origin: germline. Affected: yes.
Comment: This variant is denoted p.Arg1069His (CGC>CAC): c.3206 G>A in exon 16 of the MYPN gene (NM_032578.3). The R1069H variant has not been published as a mutation, nor has it been reported as a benign polymorphism to our knowledge. The R1069H variant was not observed in approximately 6,500 individuals of European and African American ancestry in the NHLBI Exome Sequencing Project, indicating it is not a common benign variant in these populations. The R1069H variant is a conservative amino acid substitution, which is not likely to impact secondary protein structure as these residues share similar properties. This substitution occurs at a position that is conserved in mammals. In silico analysis predicts this variant is probably damaging to the protein structure/function. However, no missense mutations in nearby residues have been reported in association with cardiomyopathy, suggesting this region of the protein may be tolerant of change. Therefore, based on the currently available information, it is unclear whether this variant is a pathogenic mutation or a rare benign variant. The variant is found in CARDIOMYOPATHY panel(s).